The following is an entry in ClinVar:

ClinVar aggregate classification (germline): Pathogenic (1 of 4 stars; one submission).

Submission:

Labcorp Genetics (formerly Invitae), Labcorp
Classification: Pathogenic. Last evaluated: 2023-05-08. Review status: criteria provided, single submitter. Criteria: Invitae Variant Classification Sherloc (09022015). Collection method: clinical testing. Allele origin: germline.
Comment: This sequence change creates a premature translational stop signal (p.Asn1623Argfs*4) in the ABCA1 gene. It is expected to result in an absent or disrupted protein product. Loss-of-function variants in ABCA1 are known to be pathogenic (PMID: 10525055, 10760292, 20880529). This variant is not present in population databases (gnomAD no frequency). This variant has not been reported in the literature in individuals affected with ABCA1-related conditions. For these reasons, this variant has been classified as Pathogenic.

Literature cited by the submitters: PubMed 10525055; PubMed 10760292; PubMed 20880529.

NM_005502.4(ABCA1):c.4864_4867dup (p.Asn1623fs)

Gene: ABCA1 (ATP binding cassette subfamily A member 1; minus strand). Cytogenetic location: 9q31.1.
Variant type: Microsatellite.
Coding change: c.4864_4867dup on transcript NM_005502.4 (MANE Select); coding-DNA positions 4864 to 4867, 4 bases duplicated (GAGA; older notation c.4864_4867dupGAGA).
Protein change: p.Asn1623fs; shifts the reading frame from asparagine 1623.
Molecular consequence: frameshift variant.
Genome position (GRCh38, 1-based): chr9:104,799,895-104,799,898, TCTC duplicated on the plus strand (GAGA on the coding strand, the reverse complement: ABCA1 is on the minus strand); duplicating any 4 consecutive bases within chr9:104,799,895-104,799,900 gives the same sequence; the c. name uses the placement nearest the transcript's 3' end. VCF-style (leftmost placement, unchanged base first): chr9-104799894-T-TTCTC. GRCh37 (hg19) VCF-style: chr9-107562175-T-TTCTC.
Other names: short protein forms N1623fs.
Identifiers: ClinVar variation 2847432 (VCV002847432.3), dbSNP rs2538074016, ClinGen allele CA2739264906.